The following is an entry in ClinVar:

ClinVar aggregate classification (germline): Uncertain significance (1 of 4 stars; one submission).

Allele frequency attached by ClinVar (database versions not stated): gnomAD 0.00004; ExAC 0.00011.
gnomAD v4.1: 49 of 1,613,914 alleles (0.003%); highest among the groups gnomAD compares: South Asian, 0.022%; no homozygotes.

Submission:

Labcorp Genetics (formerly Invitae), Labcorp
Classification: Uncertain significance. Last evaluated: 2025-08-11. Review status: criteria provided, single submitter. Criteria: Invitae Variant Classification Sherloc (09022015). Collection method: clinical testing. Allele origin: germline.
Comment: This sequence change replaces arginine, which is basic and polar, with tryptophan, which is neutral and slightly polar, at codon 568 of the MICAL1 protein (p.Arg568Trp). This variant is present in population databases (rs372442120, gnomAD 0.03%). This variant has not been reported in the literature in individuals affected with MICAL1-related conditions. ClinVar contains an entry for this variant (Variation ID: 2039783). An algorithm developed to predict the effect of missense changes on protein structure and function (PolyPhen-2) suggests that this variant is likely to be disruptive. Algorithms developed to predict the effect of sequence changes on RNA splicing suggest that this variant may disrupt the consensus splice site. In summary, the available evidence is currently insufficient to determine the role of this variant in disease. Therefore, it has been classified as a Variant of Uncertain Significance.

NM_022765.4(MICAL1):c.1645C>T (p.Arg549Trp)

Gene: MICAL1 (microtubule associated monooxygenase, calponin and LIM domain containing 1; minus strand). Cytogenetic location: 6q21.
Variant type: single nucleotide variant.
Coding change: c.1645C>T on transcript NM_022765.4 (MANE Select); coding-DNA position 1645, C replaced by T.
Protein change: p.Arg549Trp; replaces arginine 549 with tryptophan.
Molecular consequence: missense variant.
Genome position (GRCh38, 1-based): chr6:109,448,751, G>A on the plus strand (C>T on the coding strand, the complement: MICAL1 is on the minus strand). VCF-style: chr6-109448751-G-A. GRCh37 (hg19) VCF-style: chr6-109769954-G-A.
Other names: c.1387C>T, p.Arg463Trp (NM_001159291.2); c.1702C>T, p.Arg568Trp (NM_001286613.2); short protein forms R549W, R568W, R463W.
Identifiers: ClinVar variation 2039783 (VCV002039783.4), dbSNP rs372442120, ClinGen allele CA3953271.